The following is an entry in ClinVar:

NM_001136193.2(FASTKD2):c.*2960T>C

Gene: FASTKD2 (FASTK mitochondrial RNA regulator 2; plus strand). Cytogenetic location: 2q33.3.
Variant type: single nucleotide variant.
Coding change: c.*2960T>C on transcript NM_001136193.2 (MANE Select); 2960 bases downstream of the stop codon, T replaced by C.
Molecular consequence: 3 prime UTR variant.
Genome position (GRCh38, 1-based): chr2:206,794,762, T>C. VCF-style: chr2-206794762-T-C. GRCh37 (hg19) VCF-style: chr2-207659486-T-C.
Other names: c.*2960T>C (NM_001136194.2, NM_014929.4).
Identifiers: ClinVar variation 333848 (VCV000333848.28), dbSNP rs147381048, ClinGen allele CA10613747.

ClinVar aggregate classification (germline): Conflicting classifications of pathogenicity. Review status: criteria provided, conflicting classifications (1 of 4 stars). 2 submissions from 2 submitters: Uncertain significance (1); Likely benign (1). Last evaluated 2022-09-01.

Conditions:
Mitochondrial complex IV deficiency, nuclear type 1 (MC4DN1). Also called: COX DEFICIENCY; Mitochondrial complex IV deficiency; Complex 4 mitochondrial respiratory chain deficiency; Deficiency of mitochondrial respiratory chain complex4; Complex IV deficiency. Identifiers: MedGen C5435656, MONDO:0700250, OMIM 220110. Disease mechanism: loss of function.

Allele frequency attached by ClinVar (database versions not stated): 1000 Genomes Project 30x 0.00125; 1000 Genomes Project 0.00140; TOPMed 0.00264; gnomAD 0.00277 and 0.00287.
gnomAD v4.1: 416 of 152,344 alleles (0.27%); highest among the groups gnomAD compares: Non-Finnish European, 0.5%; 1 homozygote.

Submissions (2):

CeGaT Center for Human Genetics Tuebingen
Classification: Likely benign. Last evaluated: 2022-09-01. Review status: criteria provided, single submitter. Criteria: CeGaT Center For Human Genetics Tuebingen Variant Classification Criteria Version 2. Collection method: clinical testing. Allele origin: germline. Affected: yes. Observed: 1 variant allele.
Comment: FASTKD2: BS2

Illumina Laboratory Services, Illumina
Classification: Uncertain significance for Mitochondrial complex IV deficiency, nuclear type 1. Last evaluated: 2018-01-13. Review status: criteria provided, single submitter. Criteria: ICSL Variant Classification Criteria 13 December 2019. Collection method: clinical testing. Allele origin: germline.